The following is an entry in ClinVar:

NM_001372076.1(PAX9):c.504G>A (p.Ala168=)

Gene: PAX9 (paired box 9; plus strand). Cytogenetic location: 14q13.3.
Variant type: single nucleotide variant.
Coding change: c.504G>A on transcript NM_001372076.1 (MANE Select); coding-DNA position 504, G replaced by A.
Protein change: p.Ala168=; no amino-acid change (alanine 168 retained).
Molecular consequence: synonymous variant.
Genome position (GRCh38, 1-based): chr14:36,663,396, G>A. VCF-style: chr14-36663396-G-A. GRCh37 (hg19) VCF-style: chr14-37132601-G-A.
Other names: c.504G>A, p.Ala168= (NM_006194.4).
Identifiers: ClinVar variation 3057731 (VCV003057731.2), dbSNP rs776661073, ClinGen allele CA7158978.
Genomic context (GRCh38, chr14:36,663,396, plus strand): 5'-GACGCCGCAGCCAGCGCTGCCCTACAACCACATCTACTCGTACCCCAGCCCTATCACGGC[G>A]GCGGCCGCCAAGGTGCCCACGCCACCCGGGGTGCCTGCCATCCCCGGTTCGGTGGCCATG-3'
Protein context (NP_001359005.1, residues 158-178): HIYSYPSPIT[Ala168=]AAAKVPTPPG

ClinVar aggregate classification (germline): Likely benign (0 of 4 stars; one submission).

Conditions:
PAX9-related disorder. Also called: PAX9-related condition.

Allele frequency attached by ClinVar (database versions not stated): ExAC 0.00004.

Submission:

PreventionGenetics, part of Exact Sciences
Classification: Likely benign for PAX9-related condition. Last evaluated: 2020-03-03. Review status: no assertion criteria provided. Collection method: clinical testing. Allele origin: germline.
Comment: This variant is classified as likely benign based on ACMG/AMP sequence variant interpretation guidelines (Richards et al. 2015 PMID: 25741868, with internal and published modifications).